The following is an entry in ClinVar:

NM_000268.4(NF2):c.217G>A (p.Ala73Thr)

Gene: NF2 (NF2, moesin-ezrin-radixin like (MERLIN) tumor suppressor; plus strand). Cytogenetic location: 22q12.2.
Variant type: single nucleotide variant.
Coding change: c.217G>A on transcript NM_000268.4 (MANE Select); coding-DNA position 217, G replaced by A.
Protein change: p.Ala73Thr; replaces alanine 73 with threonine.
Molecular consequence: missense variant. On other transcripts: non-coding transcript variant (1), intron variant (3).
Genome position (GRCh38, 1-based): chr22:29,636,853, G>A. VCF-style: chr22-29636853-G-A. GRCh37 (hg19) VCF-style: chr22-30032842-G-A.
Other names: c.103G>A, p.Ala35Thr (NM_001407053.1, NM_001407056.1); c.217G>A, p.Ala73Thr (NM_001407054.1, NM_001407057.1, NM_001407058.1 and 9 more transcripts); c.-424G>A (NM_001407065.1); c.-40G>A (NM_001407067.1); c.115-2237G>A (NM_181828.3); c.115-5349G>A (NM_181830.3, NM_181831.3); short protein forms A73T, A35T.
Identifiers: ClinVar variation 2191048 (VCV002191048.4), dbSNP rs2146854384, ClinGen allele CA411152628.
Genomic context (GRCh38, chr22:29,636,853, plus strand): 5'-ACTCTGGGGCTCCGAGAAACCTGGTTCTTTGGACTGCAGTACACAATCAAGGACACAGTG[G>A]CCTGGCTCAAAATGGACAAGAAGGTTGGGCTAGAACTCGATGAAACTGGTGGGGCTGACG-3'
Protein context (NP_000259.1, residues 63-83): GLQYTIKDTV[Ala73Thr]WLKMDKKVLD

ClinVar aggregate classification (germline): Uncertain significance (1 of 4 stars; one submission).

Conditions:
Neurofibromatosis, type 2 (SWNV). Also called: BILATERAL ACOUSTIC NEUROFIBROMATOSIS; SCHWANNOMATOSIS, VESTIBULAR; NF2-Related Schwannomatosis. Identifiers: Orphanet 637, MedGen C0027832, MONDO:0007039, OMIM 101000. Disease mechanism: loss of function.

Submission:

Labcorp Genetics (formerly Invitae), Labcorp
Classification: Uncertain significance for Neurofibromatosis, type 2. Last evaluated: 2025-02-04. Review status: criteria provided, single submitter. Criteria: Invitae Variant Classification Sherloc (09022015). Collection method: clinical testing. Allele origin: germline.
Comment: This sequence change replaces alanine, which is neutral and non-polar, with threonine, which is neutral and polar, at codon 73 of the NF2 protein (p.Ala73Thr). This variant is not present in population databases (gnomAD no frequency). This variant has not been reported in the literature in individuals affected with NF2-related conditions. ClinVar contains an entry for this variant (Variation ID: 2191048). Invitae Evidence Modeling of protein sequence and biophysical properties (such as structural, functional, and spatial information, amino acid conservation, physicochemical variation, residue mobility, and thermodynamic stability) indicates that this missense variant is not expected to disrupt NF2 protein function with a negative predictive value of 80%. In summary, the available evidence is currently insufficient to determine the role of this variant in disease. Therefore, it has been classified as a Variant of Uncertain Significance.